The following is an entry in ClinVar:

ClinVar aggregate classification (germline): Uncertain significance (1 of 4 stars; one submission).

Conditions:
Retinitis pigmentosa 26 (RP26). Identifiers: Orphanet 791, MedGen C1842127, MONDO:0012024, OMIM 608380.

Submission:

Dasa
Classification: Uncertain significance for Retinitis pigmentosa 26. Last evaluated: 2025-08-26. Review status: criteria provided, single submitter. Criteria: DASA Assertion Criteria. Collection method: clinical testing. Allele origin: germline.
Comment: NM_201548.5(CERKL):c.1539-2_1540dup (p.Leu514*) is a splice-region variant predicted to affect normal RNA splicing. This variant is absent from population databases. The currently available literature and clinical evidence are not sufficient to establish a definitive association between this variant and the reported condition. Therefore, this variant is classified as a variant of uncertain significance.

NM_201548.5(CERKL):c.1539-2_1540dup

Genes: CERKL (CERK like autophagy regulator; minus strand), ITGA4 (integrin subunit alpha 4; plus strand). Cytogenetic location: 2q31.3.
Variant type: Duplication.
Coding change: c.1539-2_1540dup on transcript NM_201548.5 (MANE Select); the canonical splice acceptor site of the intron before coding-DNA position 1539 through coding-DNA position 1540, 4 bases duplicated (AGAT; older notation c.1539-2_1540dupAGAT).
Molecular consequence: splice acceptor variant. On other transcripts: 3 prime UTR variant (1).
Genome position (GRCh38, 1-based): chr2:181,538,243-181,538,246, ATCT duplicated on the plus strand (AGAT on the coding strand, the reverse complement: CERKL is on the minus strand). VCF-style (leftmost placement, unchanged base first): chr2-181538242-A-AATCT. GRCh37 (hg19) VCF-style: chr2-182402969-A-AATCT.
Other names: c.*2716_*2719dup (NM_000885.6); c.1200-2_1201dup (NM_001030312.3); c.1485-2_1486dup (NM_001160277.2); c.1332-2_1333dup (NM_001030313.3); c.1617-2_1618dup (NM_001030311.3).
Identifiers: ClinVar variation 4884069 (VCV004884069.2).